The following is an entry in ClinVar:

ClinVar aggregate classification (germline): Pathogenic (1 of 4 stars; one submission).

Conditions:
Gorlin syndrome. Also called: Basal cell nevus syndrome; Nevoid Basal Cell Carcinoma Syndrome. Identifiers: Orphanet 377, MedGen C0004779, MONDO:0007187.

Submission:

Labcorp Genetics (formerly Invitae), Labcorp
Classification: Pathogenic for Gorlin syndrome. Last evaluated: 2021-08-24. Review status: criteria provided, single submitter. Criteria: Invitae Variant Classification Sherloc (09022015). Collection method: clinical testing. Allele origin: germline.
Comment: A gross deletion of the genomic region encompassing the full coding sequence of the PTCH1 gene has been identified. Loss-of-function variants in PTCH1 are known to be pathogenic (PMID: 16301862, 16419085). The boundaries of this event are unknown as they extend beyond the assayed region for this gene and therefore may encompass additional genes. A similar copy number variant has been observed in individual(s) with basal cell nevus syndrome (PMID: 17703323, 19557015, 22382802, 29575684). For these reasons, this variant has been classified as Pathogenic.

Literature cited by the submitters: PubMed 16301862; PubMed 16419085; PubMed 17703323; PubMed 19557015; PubMed 22382802; PubMed 29575684.

NC_000009.12:g.(?_95446906)_(95508367_?)del

Genes: PTCH1 (patched 1; minus strand), LOC100507346 (uncharacterized LOC100507346; plus strand), LOC110121043 (VISTA enhancer hs1258; plus strand), LOC130002130 (ATAC-STARR-seq lymphoblastoid silent region 20067; plus strand), LOC130002131 (ATAC-STARR-seq lymphoblastoid silent region 20068; plus strand) and 2 more. Cytogenetic location: 9q22.32.
Variant type: Deletion.
Identifiers: ClinVar variation 453767 (VCV000453767.2).